The following is an entry in ClinVar:

NM_000388.4(CASR):c.2617C>T (p.Arg873Cys)

Gene: CASR (calcium sensing receptor; plus strand). Cytogenetic location: 3q21.1.
Variant type: single nucleotide variant.
Coding change: c.2617C>T on transcript NM_000388.4 (MANE Select); coding-DNA position 2617, C replaced by T.
Protein change: p.Arg873Cys; replaces arginine 873 with cysteine.
Molecular consequence: missense variant.
Genome position (GRCh38, 1-based): chr3:122,284,571, C>T. VCF-style: chr3-122284571-C-T. GRCh37 (hg19) VCF-style: chr3-122003418-C-T.
Other names: c.2647C>T, p.Arg883Cys (NM_001178065.2); short protein forms R883C, R873C.
Identifiers: ClinVar variation 969232 (VCV000969232.14), dbSNP rs2074941878, ClinGen allele CA354160416.

ClinVar aggregate classification (germline): Uncertain significance. Review status: criteria provided, multiple submitters, no conflicts (2 of 4 stars). 3 submissions from 3 submitters: Uncertain significance (3). Last evaluated 2024-11-13.

Conditions:
Nephrolithiasis/nephrocalcinosis. Identifiers: MedGen CN580796.
Familial hypocalciuric hypercalcemia (FHH). Also called: Familial benign hypercalcemia. Identifiers: Orphanet 405, MedGen C1809471, MONDO:0018458.
Autosomal dominant hypocalcemia 1 (HYPOC1). Also called: HYPOCALCEMIA, FAMILIAL. Identifiers: MedGen C3715128, MONDO:0011013, OMIM 601198.

Submissions (3):

Labcorp Genetics (formerly Invitae), Labcorp
Classification: Uncertain significance for Familial hypocalciuric hypercalcemia; Autosomal dominant hypocalcemia 1. Last evaluated: 2024-11-13. Review status: criteria provided, single submitter. Criteria: Invitae Variant Classification Sherloc (09022015). Collection method: clinical testing. Allele origin: germline.
Comment: This sequence change replaces arginine, which is basic and polar, with cysteine, which is neutral and slightly polar, at codon 873 of the CASR protein (p.Arg873Cys). This variant is not present in population databases (gnomAD no frequency). This variant has not been reported in the literature in individuals affected with CASR-related conditions. ClinVar contains an entry for this variant (Variation ID: 969232). An algorithm developed to predict the effect of missense changes on protein structure and function (PolyPhen-2) suggests that this variant is likely to be disruptive. In summary, the available evidence is currently insufficient to determine the role of this variant in disease. Therefore, it has been classified as a Variant of Uncertain Significance.

Ambry Genetics
Classification: Uncertain significance for Nephrolithiasis/nephrocalcinosis. Last evaluated: 2022-05-18. Review status: criteria provided, single submitter. Criteria: Ambry Variant Classification Scheme 2023. Collection method: clinical testing. Allele origin: germline.
Comment: The p.R873C variant (also known as c.2617C>T), located in coding exon 6 of the CASR gene, results from a C to T substitution at nucleotide position 2617. The arginine at codon 873 is replaced by cysteine, an amino acid with highly dissimilar properties. This amino acid position is conserved. In addition, this alteration is predicted to be deleterious by in silico analysis. Since supporting evidence is limited at this time, the clinical significance of this alteration remains unclear.

GeneDx
Classification: Uncertain significance. Last evaluated: 2019-11-14. Review status: criteria provided, single submitter. Criteria: GeneDx Variant Classification Process June 2021. Collection method: clinical testing. Allele origin: germline. Affected: yes.
Comment: Not observed in large population cohorts (Lek 2016); In silico analysis, which includes protein predictors and evolutionary conservation, supports that this variant does not alter protein structure/function; Has not been previously published as pathogenic or benign to our knowledge